The following is an entry in ClinVar:

ClinVar aggregate classification (germline): Uncertain significance (1 of 4 stars; one submission).

Conditions:
Hypertrophic cardiomyopathy 26. Also called: Cardiomyopathy, familial hypertrophic, 26. Identifiers: Orphanet 75249, MedGen C4310749, MONDO:0014883, OMIM 617047.
Myofibrillar myopathy 5. Also called: FILAMINOPATHY, AUTOSOMAL DOMINANT; Filaminopathy (type). Identifiers: Orphanet 171445, MedGen C1836050, MONDO:0012289, OMIM 609524.
Distal myopathy with posterior leg and anterior hand involvement. Also called: WILLIAMS DISTAL MYOPATHY. Identifiers: Orphanet 63273, MedGen C3279722, MONDO:0013550, OMIM 614065.

Submission:

Labcorp Genetics (formerly Invitae), Labcorp
Classification: Uncertain significance for Distal myopathy with posterior leg and anterior hand involvement; Myofibrillar myopathy 5; Hypertrophic cardiomyopathy 26. Last evaluated: 2023-08-03. Review status: criteria provided, single submitter. Criteria: Invitae Variant Classification Sherloc (09022015). Collection method: clinical testing. Allele origin: germline.
Comment: This variant has not been reported in the literature in individuals affected with FLNC-related conditions. Advanced modeling of protein sequence and biophysical properties (such as structural, functional, and spatial information, amino acid conservation, physicochemical variation, residue mobility, and thermodynamic stability) has been performed at Invitae for this missense variant, however the output from this modeling did not meet the statistical confidence thresholds required to predict the impact of this variant on FLNC protein function. This variant is not present in population databases (gnomAD no frequency). ClinVar contains an entry for this variant (Variation ID: 580591). This sequence change replaces leucine, which is neutral and non-polar, with methionine, which is neutral and non-polar, at codon 964 of the FLNC protein (p.Leu964Met). In summary, the available evidence is currently insufficient to determine the role of this variant in disease. Therefore, it has been classified as a Variant of Uncertain Significance.

NM_001458.5(FLNC):c.2890C>A (p.Leu964Met)

Gene: FLNC (filamin C; plus strand). Cytogenetic location: 7q32.1.
Variant type: single nucleotide variant.
Coding change: c.2890C>A on transcript NM_001458.5 (MANE Select); coding-DNA position 2890, C replaced by A.
Protein change: p.Leu964Met; replaces leucine 964 with methionine.
Molecular consequence: missense variant.
Genome position (GRCh38, 1-based): chr7:128,843,874, C>A. VCF-style: chr7-128843874-C-A. GRCh37 (hg19) VCF-style: chr7-128483928-C-A.
Other names: c.2890C>A, p.Leu964Met (NM_001127487.2); short protein forms L964M.
Identifiers: ClinVar variation 580591 (VCV000580591.7), dbSNP rs1562996103, ClinGen allele CA369193499.